The following is an entry in ClinVar:

NM_001166108.2(PALLD):c.3229C>A (p.His1077Asn)

Genes: CBR4 (carbonyl reductase 4; minus strand), PALLD (palladin, cytoskeletal associated protein; plus strand). Cytogenetic location: 4q32.3.
Variant type: single nucleotide variant.
Coding change: c.3229C>A on transcript NM_001166108.2 (MANE Select); coding-DNA position 3229, C replaced by A.
Protein change: p.His1077Asn; replaces histidine 1077 with asparagine.
Molecular consequence: missense variant.
Genome position (GRCh38, 1-based): chr4:168,924,949, C>A. VCF-style: chr4-168924949-C-A. GRCh37 (hg19) VCF-style: chr4-169846100-C-A.
Other names: c.2032C>A, p.His678Asn (NM_001166109.2); c.1717C>A, p.His573Asn (NM_001166110.2); c.1057C>A, p.His353Asn (NM_001367567.1, NM_001367569.1); c.1108C>A, p.His370Asn (NM_001367568.1, NM_001367570.1); c.3178C>A, p.His1060Asn (NM_016081.4); short protein forms H1060N, H370N, H573N, H678N, H1077N, H353N.
Identifiers: ClinVar variation 1728498 (VCV001728498.2), dbSNP rs778210310, ClinGen allele CA109863351.

ClinVar aggregate classification (germline): Uncertain significance (1 of 4 stars; one submission).

Submission:

Ambry Genetics
Classification: Uncertain significance. Last evaluated: 2021-09-01. Review status: criteria provided, single submitter. Criteria: Ambry Variant Classification Scheme 2023. Collection method: clinical testing. Allele origin: germline.
Comment: The p.H1060N variant (also known as c.3178C>A), located in coding exon 18 of the PALLD gene, results from a C to A substitution at nucleotide position 3178. The histidine at codon 1060 is replaced by asparagine, an amino acid with similar properties. This amino acid position is conserved. In addition, the in silico prediction for this alteration is inconclusive. Since supporting evidence is limited at this time, the clinical significance of this alteration remains unclear.